The following is an entry in ClinVar:

NM_130384.3(ATRIP):c.1978G>A (p.Val660Met)

Genes: ATRIP (ATR interacting protein; plus strand), ATRIP-TREX1 (ATRIP-TREX1 readthrough; plus strand). Cytogenetic location: 3p21.31.
Variant type: single nucleotide variant.
Coding change: c.1978G>A on transcript NM_130384.3 (MANE Select); coding-DNA position 1978, G replaced by A.
Protein change: p.Val660Met; replaces valine 660 with methionine.
Molecular consequence: missense variant. On other transcripts: non-coding transcript variant (1), intron variant (1).
Genome position (GRCh38, 1-based): chr3:48,464,585, G>A. VCF-style: chr3-48464585-G-A. GRCh37 (hg19) VCF-style: chr3-48505984-G-A.
Other names: c.1597G>A, p.Val533Met (NM_001271022.2); c.1699G>A, p.Val567Met (NM_001271023.2); c.1975-246G>A (NM_032166.4); short protein forms V533M, V567M, V660M.
Identifiers: ClinVar variation 5032417 (VCV005032417.1).
Genomic context (GRCh38, chr3:48,464,585, plus strand): 5'-CCTCGCAGGGACTGGTCTCCTTCTGCCCAGGATGGAACCAATCTGTTCTTGTTCTAGGTG[G>A]TGTGGCTCCTGGCTAAGCTTGGTGTGCAGAGCCCCTTGCCCCCAGTCACTGGCTCCAACT-3'
Protein context (NP_569055.1, residues 650-670): TQWLQLEQEV[Val660Met]WLLAKLGVQS

ClinVar aggregate classification (germline): Uncertain significance (1 of 4 stars; one submission).

Submission:

Ambry Genetics
Classification: Uncertain significance. Last evaluated: 2026-07-03. Review status: criteria provided, single submitter. Criteria: Ambry Variant Classification Scheme 2023. Collection method: clinical testing. Allele origin: germline.
Comment: The p.V660M variant (also known as c.1978G>A), located in coding exon 11 of the ATRIP gene, results from a G to A substitution at nucleotide position 1978. The valine at codon 660 is replaced by methionine, an amino acid with highly similar properties. This amino acid position is conserved. In addition, the in silico prediction for this alteration is inconclusive. Based on the available evidence, the clinical significance of this variant remains unclear.